The following is an entry in ClinVar:

NM_138694.4(PKHD1):c.3628G>T (p.Gly1210Ter)

Gene: PKHD1 (PKHD1 ciliary IPT domain containing fibrocystin/polyductin; minus strand). Cytogenetic location: 6p12.2.
Variant type: single nucleotide variant.
Coding change: c.3628G>T on transcript NM_138694.4 (MANE Select); coding-DNA position 3628, G replaced by T.
Protein change: p.Gly1210Ter; replaces glycine 1210 with a stop codon.
Molecular consequence: nonsense.
Genome position (GRCh38, 1-based): chr6:52,027,829, C>A on the plus strand (G>T on the coding strand, the complement: PKHD1 is on the minus strand). VCF-style: chr6-52027829-C-A. GRCh37 (hg19) VCF-style: chr6-51892627-C-A.
Other names: c.3628G>T, p.Gly1210Ter (NM_170724.3); c.3628G>T (NM_138694.3); short protein forms G1210*.
Identifiers: ClinVar variation 2819790 (VCV002819790.4), dbSNP rs2532776122, ClinGen allele CA364440004.

ClinVar aggregate classification (germline): Pathogenic/Likely pathogenic. Review status: criteria provided, multiple submitters, no conflicts (2 of 4 stars). 2 submissions from 2 submitters: Pathogenic (1); Likely pathogenic (1). Last evaluated 2024-06-13.

Conditions:
Autosomal recessive polycystic kidney disease (ARPKD). Also called: AR polycystic kidney disease. Identifiers: Orphanet 731, Orphanet 8378, MedGen C0085548, MeSH D017044, MONDO:0009889.

Submissions (2):

Natera, Inc.
Classification: Likely pathogenic for Autosomal recessive polycystic kidney disease. Last evaluated: 2024-06-13. Review status: criteria provided, single submitter. Criteria: Natera Variant Classification Schema (03/2026). Collection method: clinical testing. Allele origin: germline.
Comment: The c.3628G>T variant in PKHD1 is a nonsense variant predicted to introduce a stop codon at amino acid 1210. This variant is expected to result in nonsense mediated decay, truncation, or a dysfunctional protein product. This variant is rare in the general population with a frequency below the threshold expected for the associated phenotype(s). Given the available evidence, this variant is classified as Likely Pathogenic.

Labcorp Genetics (formerly Invitae), Labcorp
Classification: Pathogenic for Autosomal recessive polycystic kidney disease. Last evaluated: 2022-12-09. Review status: criteria provided, single submitter. Criteria: Invitae Variant Classification Sherloc (09022015). Collection method: clinical testing. Allele origin: germline.
Comment: This sequence change creates a premature translational stop signal (p.Gly1210*) in the PKHD1 gene. It is expected to result in an absent or disrupted protein product. Loss-of-function variants in PKHD1 are known to be pathogenic (PMID: 19940839). This variant is not present in population databases (gnomAD no frequency). This variant has not been reported in the literature in individuals affected with PKHD1-related conditions. Algorithms developed to predict the effect of sequence changes on RNA splicing suggest that this variant may disrupt the consensus splice site. For these reasons, this variant has been classified as Pathogenic.

Literature cited by the submitters: PubMed 19940839 (cited by Labcorp Genetics (formerly Invitae), Labcorp).